The following is an entry in ClinVar:

ClinVar aggregate classification (germline): Likely benign. Review status: criteria provided, single submitter (1 of 4 stars). 2 submissions from 2 submitters: Likely benign (1). 1 of the submissions does not count toward it. Last evaluated 2025-09-10.

Conditions:
TTC21B-related disorder. Also called: TTC21B-related condition; TTC21B-related disorders.
Jeune thoracic dystrophy. Also called: Jeune syndrome; Infantile thoracic dystrophy; Thoracic pelvic phalangeal dystrophy; Jeune's syndrome; Chondroectodermal dysplasia-like syndrome; Short-rib thoracic dysplasia. Identifiers: Orphanet 474, MedGen C0265275, MONDO:0018770.
Nephronophthisis. Also called: Juvenile Nephronophthisis. Identifiers: Orphanet 655, MedGen C0687120, MONDO:0019005, HP:0000090.

Allele frequency attached by ClinVar (database versions not stated): ExAC 0.00002; gnomAD exomes 0.00003; gnomAD 0.00004; TOPMed 0.00005.
gnomAD v4.1: 57 of 1,613,732 alleles (0.0035%); highest among the groups gnomAD compares: Non-Finnish European, 0.0047%; no homozygotes.

Submissions (2):

Labcorp Genetics (formerly Invitae), Labcorp
Classification: Likely benign for Jeune thoracic dystrophy; Nephronophthisis. Last evaluated: 2025-09-10. Review status: criteria provided, single submitter. Criteria: Invitae Variant Classification Sherloc (09022015). Collection method: clinical testing. Allele origin: germline.

PreventionGenetics, part of Exact Sciences
Classification: Likely benign for TTC21B-related condition. Last evaluated: 2024-08-28. Review status: no assertion criteria provided. Collection method: clinical testing. Allele origin: germline. Not counted in ClinVar's aggregate classification.
Comment: This variant is classified as likely benign based on ACMG/AMP sequence variant interpretation guidelines (Richards et al. 2015 PMID: 25741868, with internal and published modifications).

NM_024753.5(TTC21B):c.2391G>A (p.Glu797=)

Gene: TTC21B (tetratricopeptide repeat domain 21B; minus strand). Cytogenetic location: 2q24.3.
Variant type: single nucleotide variant.
Coding change: c.2391G>A on transcript NM_024753.5 (MANE Select); coding-DNA position 2391, G replaced by A.
Protein change: p.Glu797=; no amino-acid change (glutamic acid 797 retained).
Molecular consequence: synonymous variant.
Genome position (GRCh38, 1-based): chr2:165,911,397, C>T on the plus strand (G>A on the coding strand, the complement: TTC21B is on the minus strand). VCF-style: chr2-165911397-C-T. GRCh37 (hg19) VCF-style: chr2-166767907-C-T.
Other names: c.2391G>A (NM_024753.4).
Identifiers: ClinVar variation 2157521 (VCV002157521.5), dbSNP rs748113547, ClinGen allele CA1941843.
Genomic context (GRCh38, chr2:165,911,397, plus strand): 5'-AGCCAGAGCATGCTGAAGAACTTTTTCTGCTTTGTCATACCATTTCAATTTTAATAAGAG[C>T]TCAGCCAGGTCATAGCAAAGATAATTCTTTTGTCCAGTTTTCAGAGCAGCTTCATAGTAA-3'
Protein context (NP_079029.3, residues 787-807): QKNYLCYDLA[Glu797=]LLLKLKWYDK